The following is an entry in ClinVar:

ClinVar aggregate classification (germline): Uncertain significance (1 of 4 stars; one submission).

Allele frequency attached by ClinVar (database versions not stated): gnomAD exomes 0.00001; TOPMed 0.00001.
gnomAD v4.1: 7 of 1,613,888 alleles (0.00043%); highest among the groups gnomAD compares: South Asian, 0.0033%; no homozygotes.

Submission:

Labcorp Genetics (formerly Invitae), Labcorp
Classification: Uncertain significance. Last evaluated: 2021-09-01. Review status: criteria provided, single submitter. Criteria: Invitae Variant Classification Sherloc (09022015). Collection method: clinical testing. Allele origin: germline.
Comment: This sequence change replaces alanine with valine at codon 360 of the LIFR protein (p.Ala360Val). The alanine residue is weakly conserved and there is a small physicochemical difference between alanine and valine. This variant is not present in population databases (ExAC no frequency). This variant has not been reported in the literature in individuals affected with LIFR-related conditions. Algorithms developed to predict the effect of missense changes on protein structure and function (SIFT, PolyPhen-2, Align-GVGD) all suggest that this variant is likely to be tolerated. In summary, the available evidence is currently insufficient to determine the role of this variant in disease. Therefore, it has been classified as a Variant of Uncertain Significance.

NM_001127671.2(LIFR):c.1079C>T (p.Ala360Val)

Gene: LIFR (LIF receptor subunit alpha; minus strand). Cytogenetic location: 5p13.1.
Variant type: single nucleotide variant.
Coding change: c.1079C>T on transcript NM_001127671.2 (MANE Select); coding-DNA position 1079, C replaced by T.
Protein change: p.Ala360Val; replaces alanine 360 with valine.
Molecular consequence: missense variant.
Genome position (GRCh38, 1-based): chr5:38,506,545, G>A on the plus strand (C>T on the coding strand, the complement: LIFR is on the minus strand). VCF-style: chr5-38506545-G-A. GRCh37 (hg19) VCF-style: chr5-38506647-G-A.
Other names: c.1079C>T, p.Ala360Val (NM_001364297.2, NM_001364298.2, NM_002310.6); short protein forms A360V.
Identifiers: ClinVar variation 2059720 (VCV002059720.1), dbSNP rs1181323616, ClinGen allele CA359544409.
Genomic context (GRCh38, chr5:38,506,545, plus strand): 5'-TTTCCCAGTTATCATTACCTTTCAACTAAAGTGTAGCTTGTAGCACGTGGGCCCACCAAC[G>A]CTGTCACCCTTCCTGGATTCCAACTACATATAATTTCTTTTAAATCATGTGTCTCACAAT-3'
Protein context (NP_001121143.1, residues 350-370): ICSWNPGRVT[Ala360Val]LVGPRATSYT